The following is an entry in ClinVar:

ClinVar aggregate classification (germline): Uncertain significance. Review status: criteria provided, multiple submitters, no conflicts (2 of 4 stars). 2 submissions from 2 submitters: Uncertain significance (2). Last evaluated 2024-05-30.

Conditions:
Aortic aneurysm, familial thoracic 4 (AAT4). Also called: AORTIC ANEURYSM/AORTIC DISSECTION AND PATENT DUCTUS ARTERIOSUS. Identifiers: MedGen C1851504, MONDO:0007568, OMIM 132900.
Familial thoracic aortic aneurysm and aortic dissection (TAAD). Also called: Thoracic aortic aneurysms and dissections. Identifiers: Orphanet 91387, MedGen C4707243, MONDO:0019625.

Submissions (2):

All of Us Research Program, National Institutes of Health
Classification: Uncertain significance for Familial thoracic aortic aneurysm and aortic dissection. Last evaluated: 2024-05-30. Review status: criteria provided, single submitter. Criteria: ACMG Guidelines, 2015. Collection method: clinical testing. Allele origin: germline. Inheritance: Autosomal dominant inheritance. Observed: 1 variant allele, 1 heterozygote.
Comment: This missense variant replaces lysine with threonine at codon 1338 of the MYH11 protein. Computational prediction suggests that this variant may have deleterious impact on protein structure and function (internally defined REVEL score threshold >= 0.7, PMID: 27666373). To our knowledge, functional studies have not been reported for this variant. This variant has not been reported in individuals affected with MYH11-related disorders in the literature. This variant has not been identified in the general population by the Genome Aggregation Database (gnomAD). The available evidence is insufficient to determine the role of this variant in disease conclusively. Therefore, this variant is classified as a Variant of Uncertain Significance.

This study involves interpretation of variants in research participants for the purpose of population health screening. Participant phenotype was not available at the time of variant classification. Additional details can be found in publication PMID: 35346344, PMCID: PMC8962531

Labcorp Genetics (formerly Invitae), Labcorp
Classification: Uncertain significance for Aortic aneurysm, familial thoracic 4. Last evaluated: 2024-03-07. Review status: criteria provided, single submitter. Criteria: Invitae Variant Classification Sherloc (09022015). Collection method: clinical testing. Allele origin: germline.
Comment: This sequence change replaces lysine, which is basic and polar, with threonine, which is neutral and polar, at codon 1338 of the MYH11 protein (p.Lys1338Thr). This variant is not present in population databases (gnomAD no frequency). This variant has not been reported in the literature in individuals affected with MYH11-related conditions. Advanced modeling of protein sequence and biophysical properties (such as structural, functional, and spatial information, amino acid conservation, physicochemical variation, residue mobility, and thermodynamic stability) performed at Invitae indicates that this missense variant is not expected to disrupt MYH11 protein function with a negative predictive value of 80%. In summary, the available evidence is currently insufficient to determine the role of this variant in disease. Therefore, it has been classified as a Variant of Uncertain Significance.

NM_002474.3(MYH11):c.3992A>C (p.Lys1331Thr)

Genes: NDE1 (nudE neurodevelopment protein 1; plus strand), MYH11 (myosin heavy chain 11; minus strand). Cytogenetic location: 16p13.11.
Variant type: single nucleotide variant.
Coding change: c.3992A>C on transcript NM_002474.3 (MANE Select); coding-DNA position 3992, A replaced by C.
Protein change: p.Lys1331Thr; replaces lysine 1331 with threonine.
Molecular consequence: missense variant. On other transcripts: 3 prime UTR variant (2).
Genome position (GRCh38, 1-based): chr16:15,724,771, T>G on the plus strand (A>C on the coding strand, the complement: MYH11 is on the minus strand). VCF-style: chr16-15724771-T-G. GRCh37 (hg19) VCF-style: chr16-15818628-T-G.
Other names: c.4013A>C, p.Lys1338Thr (NM_001040113.2, NM_001040114.2); c.3992A>C, p.Lys1331Thr (NM_022844.3); c.*520T>G (NM_001143979.2, NM_017668.3); short protein forms K1331T, K1338T.
Identifiers: ClinVar variation 3387188 (VCV003387188.3).